The following is an entry in ClinVar:

ClinVar aggregate classification (germline): Uncertain significance (1 of 4 stars; one submission).

Allele frequency attached by ClinVar (database versions not stated): gnomAD exomes 0.00002; gnomAD 0.00006; TOPMed 0.00006.
gnomAD v4.1: 40 of 1,413,586 alleles (0.0028%); highest among the groups gnomAD compares: East Asian, 0.098%; no homozygotes.

Submission:

Labcorp Genetics (formerly Invitae), Labcorp
Classification: Uncertain significance. Last evaluated: 2026-01-27. Review status: criteria provided, single submitter. Criteria: Invitae Variant Classification Sherloc (09022015). Collection method: clinical testing. Allele origin: germline.
Comment: This sequence change replaces alanine, which is neutral and non-polar, with valine, which is neutral and non-polar, at codon 13 of the P4HB protein (p.Ala13Val). This variant is present in population databases (rs771986334, gnomAD 0.01%). This variant has not been reported in the literature in individuals affected with P4HB-related conditions. ClinVar contains an entry for this variant (Variation ID: 2712785). An algorithm developed to predict the effect of missense changes on protein structure and function outputs the following: PolyPhen-2: "Possibly Damaging". The valine amino acid residue is found in multiple mammalian species, which suggests that this missense change does not adversely affect protein function. In summary, the available evidence is currently insufficient to determine the role of this variant in disease. Therefore, it has been classified as a Variant of Uncertain Significance.

NM_000918.4(P4HB):c.38C>T (p.Ala13Val)

Gene: P4HB (prolyl 4-hydroxylase subunit beta; minus strand). Cytogenetic location: 17q25.3.
Variant type: single nucleotide variant.
Coding change: c.38C>T on transcript NM_000918.4 (MANE Select); coding-DNA position 38, C replaced by T.
Protein change: p.Ala13Val; replaces alanine 13 with valine.
Molecular consequence: missense variant.
Genome position (GRCh38, 1-based): chr17:81,860,434, G>A on the plus strand (C>T on the coding strand, the complement: P4HB is on the minus strand). VCF-style: chr17-81860434-G-A. GRCh37 (hg19) VCF-style: chr17-79818310-G-A.
Other names: short protein forms A13V.
Identifiers: ClinVar variation 2712785 (VCV002712785.3), dbSNP rs771986334, ClinGen allele CA8843083.